The following is an entry in ClinVar:

ClinVar aggregate classification (germline): Benign (1 of 4 stars; one submission).

Allele frequency attached by ClinVar (database versions not stated): gnomAD exomes 0.00036; gnomAD 0.00332.
gnomAD v4.1: 539 of 280,184 alleles (0.19%); highest among the groups gnomAD compares: African/African-American, 1%; 3 homozygotes.

Submission:

CeGaT Center for Human Genetics Tuebingen
Classification: Benign. Last evaluated: 2026-09-01. Review status: criteria provided, single submitter. Criteria: CeGaT Center For Human Genetics Tuebingen Variant Classification Criteria Version 2. Collection method: clinical testing. Allele origin: germline. Affected: yes. Observed: 37 variant alleles.
Comment: KCNQ1: BS1, BS2; KCNQ1OT1: BS1, BS2

NM_000218.3(KCNQ1):c.1393+31367T>A

Genes: KCNQ1 (potassium voltage-gated channel subfamily Q member 1; plus strand), KCNQ1OT1 (KCNQ1 opposite strand/antisense transcript 1; minus strand). Cytogenetic location: 11p15.5.
Variant type: single nucleotide variant.
Coding change: c.1393+31367T>A on transcript NM_000218.3 (MANE Select); 31367 bases into the intron after coding-DNA position 1393, T replaced by A.
Molecular consequence: intron variant.
Genome position (GRCh38, 1-based): chr11:2,620,221, T>A. VCF-style: chr11-2620221-T-A. GRCh37 (hg19) VCF-style: chr11-2641451-T-A.
Other names: c.1123+31367T>A (NM_001406837.1); c.1297+31367T>A (NM_001406836.1); c.853+31367T>A (NM_001406838.1); c.1012+31367T>A (NM_181798.2).
Identifiers: ClinVar variation 1711274 (VCV001711274.30), dbSNP rs868690245, ClinGen allele CA216362029.